The following is an entry in ClinVar:

ClinVar aggregate classification (germline): Pathogenic (1 of 4 stars; one submission).

Conditions:
Sandhoff disease. Also called: GM2-GANGLIOSIDOSIS, TYPE II; HEXOSAMINIDASES A AND B DEFICIENCY; Beta-hexosaminidase-beta-subunit deficiency; GM2 gangliosidosis, type 2; Total hexosaminidase deficiency; Sandhoff-Jatzkewitz-Pilz disease. Identifiers: Orphanet 796, MedGen C0036161, MONDO:0010006, OMIM 268800.

Submission:

Labcorp Genetics (formerly Invitae), Labcorp
Classification: Pathogenic for Sandhoff disease. Last evaluated: 2024-01-03. Review status: criteria provided, single submitter. Criteria: Invitae Variant Classification Sherloc (09022015). Collection method: clinical testing. Allele origin: unknown.
Comment: This variant is a gross deletion of the genomic region encompassing exon(s) 4-5 of the HEXB gene. This deletion is out-of-frame, and is expected to create a premature termination codon and result in an absent or disrupted protein product. Loss-of-function variants in HEXB are known to be pathogenic (PMID: 7550345, 18758829). A similar copy number variant has been observed in individual(s) with Sandhoff disease (PMID: 28476546). For these reasons, this variant has been classified as Pathogenic.

Literature cited by the submitters: PubMed 7550345; PubMed 18758829; PubMed 28476546.

NC_000005.9:g.(?_73992498)_(73992951_?)del

Gene: HEXB (hexosaminidase subunit beta; plus strand). Cytogenetic location: 5q13.3.
Variant type: Deletion.
Identifiers: ClinVar variation 3246289 (VCV003246289.1).